The following is an entry in ClinVar:

NC_000001.10:g.(?_216348574)_(216465732_?)del

Gene: USH2A (usherin; minus strand). Cytogenetic location: 1q41.
Variant type: Deletion.
Identifiers: ClinVar variation 3248049 (VCV003248049.1).

ClinVar aggregate classification (germline): Pathogenic (1 of 4 stars; one submission).

Submission:

Labcorp Genetics (formerly Invitae), Labcorp
Classification: Pathogenic. Last evaluated: 2023-11-10. Review status: criteria provided, single submitter. Criteria: Invitae Variant Classification Sherloc (09022015). Collection method: clinical testing. Allele origin: unknown.
Comment: This variant is a gross deletion of the genomic region encompassing exon(s) 10-21 of the USH2A gene. This deletion is out-of-frame, and is expected to create a premature termination codon and result in an absent or disrupted protein product. Loss-of-function variants in USH2A are known to be pathogenic (PMID: 10729113, 10909849, 20507924, 25649381). A similar copy number variant has been observed in individual(s) with Usher syndrome (PMID: 27460420). For these reasons, this variant has been classified as Pathogenic.

Literature cited by the submitters: PubMed 10729113; PubMed 10909849; PubMed 20507924; PubMed 25649381; PubMed 27460420.